The following is an entry in ClinVar:

NM_000466.3(PEX1):c.2060G>A (p.Arg687Gln)

Gene: PEX1 (peroxisomal biogenesis factor 1; minus strand). Cytogenetic location: 7q21.2.
Variant type: single nucleotide variant.
Coding change: c.2060G>A on transcript NM_000466.3 (MANE Select); coding-DNA position 2060, G replaced by A.
Protein change: p.Arg687Gln; replaces arginine 687 with glutamine.
Molecular consequence: missense variant. On other transcripts: intron variant (1).
Genome position (GRCh38, 1-based): chr7:92,504,743, C>T on the plus strand (G>A on the coding strand, the complement: PEX1 is on the minus strand). VCF-style: chr7-92504743-C-T. GRCh37 (hg19) VCF-style: chr7-92134057-C-T.
Other names: c.1436G>A, p.Arg479Gln (NM_001282678.2); c.1900+1505G>A (NM_001282677.2); c.2060G>A (NM_000466.2); short protein forms R687Q, R479Q.
Identifiers: ClinVar variation 498170 (VCV000498170.9), dbSNP rs201443294, ClinGen allele CA4341225.

ClinVar aggregate classification (germline): Conflicting classifications of pathogenicity. Review status: criteria provided, conflicting classifications (1 of 4 stars). 3 submissions from 3 submitters: Uncertain significance (1); Likely benign (1). 1 of the submissions does not count toward it. Last evaluated 2025-03-31.

Conditions:
PEX1-related disorder. Also called: PEX1-related condition.
Zellweger spectrum disorders (ZS). Also called: Zellweger Spectrum Disorder; Zellweger Spectrum; Zellweger syndrome; Zellweger Spectrum Disorder (ZSD). Identifiers: Orphanet 912, MedGen C0043459, MONDO:0019609.

Allele frequency attached by ClinVar (database versions not stated): gnomAD exomes 0.00001 and 0.00004; ExAC 0.00005; gnomAD 0.00011 and 0.00013; TOPMed 0.00014; 1000 Genomes Project 30x 0.00016; 1000 Genomes Project 0.00020; ESP Exome Variant Server 0.00023.
gnomAD v4.1: 40 of 1,614,080 alleles (0.0025%); highest among the groups gnomAD compares: African/African-American, 0.031%; 1 homozygote.

Submissions (3):

Labcorp Genetics (formerly Invitae), Labcorp
Classification: Likely benign for Zellweger spectrum disorders. Last evaluated: 2025-03-31. Review status: criteria provided, single submitter. Criteria: Invitae Variant Classification Sherloc (09022015). Collection method: clinical testing. Allele origin: germline.

Eurofins Ntd Llc (ga)
Classification: Uncertain significance. Last evaluated: 2016-10-26. Review status: criteria provided, single submitter. Criteria: EGL Classification Definitions 2015. Collection method: clinical testing. Allele origin: germline. Observed: 1 variant allele, 1 heterozygote.

PreventionGenetics, part of Exact Sciences
Classification: Uncertain significance for PEX1-related condition. Last evaluated: 2024-03-28. Review status: no assertion criteria provided. Collection method: clinical testing. Allele origin: germline. Not counted in ClinVar's aggregate classification.
Comment: The PEX1 c.2060G>A variant is predicted to result in the amino acid substitution p.Arg687Gln. To our knowledge, this variant has not been reported in the literature. This variant is reported in 0.040% of alleles in individuals of African descent in gnomAD. At this time, the clinical significance of this variant is uncertain due to the absence of conclusive functional and genetic evidence.